The following is an entry in ClinVar:

ClinVar aggregate classification (germline): Pathogenic. Review status: criteria provided, multiple submitters, no conflicts (2 of 4 stars). 2 submissions from 2 submitters: Pathogenic (2). Last evaluated 2021-06-01.

Conditions:
Sideroblastic anemia 2. Also called: Anemia, sideroblastic, 2, pyridoxine-refractory. Identifiers: Orphanet 260305, MedGen C4225425, MONDO:0008785, OMIM 205950.

Submissions (2):

Mark Fleming Laboratory, Boston Children's Hospital
Classification: Pathogenic for Sideroblastic anemia 2. Last evaluated: 2021-06-01. Review status: criteria provided, single submitter. Criteria: ACMG Guidelines, 2015. Collection method: research. Allele origin: germline. Affected: yes.

Baylor Genetics
Classification: Pathogenic for Sideroblastic anemia 2. Last evaluated: 2017-09-01. Review status: criteria provided, single submitter. Criteria: ACMG Guidelines, 2015. Collection method: clinical testing. Allele origin: germline. Inheritance: Autosomal recessive inheritance. Affected: yes.

Literature cited by the submitters: PubMed 25326635 (cited by Baylor Genetics).

NM_017875.4(SLC25A38):c.70-2A>C

Gene: SLC25A38 (solute carrier family 25 member 38; plus strand). Cytogenetic location: 3p22.1.
Variant type: single nucleotide variant.
Coding change: c.70-2A>C on transcript NM_017875.4 (MANE Select); the canonical splice acceptor site of the intron before coding-DNA position 70, A replaced by C.
Molecular consequence: splice acceptor variant.
Genome position (GRCh38, 1-based): chr3:39,389,493, A>C. VCF-style: chr3-39389493-A-C. GRCh37 (hg19) VCF-style: chr3-39430984-A-C.
Other names: c.70-2A>C (NM_001354798.2).
Identifiers: ClinVar variation 561108 (VCV000561108.3), dbSNP rs1233124208, ClinGen allele CA352198515.
Genomic context (GRCh38, chr3:39,389,493, plus strand): 5'-TATAGAGAAAGGTGAGGCTCACACAGGCAGAGCTACTGACACAATATTGTCTTATCCTGC[A>C]GTTACATCCGGTGATCAAGGCTTTCCTGTGTGGCTCCATCAGTGGGACCTGCTCTACCCT-3'